The following is an entry in ClinVar:

ClinVar aggregate classification (germline): Pathogenic (1 of 4 stars; one submission).

Submission:

Labcorp Genetics (formerly Invitae), Labcorp
Classification: Pathogenic. Last evaluated: 2024-10-02. Review status: criteria provided, single submitter. Criteria: Invitae Variant Classification Sherloc (09022015). Collection method: clinical testing. Allele origin: germline.
Comment: This sequence change creates a premature translational stop signal (p.Asn37Thrfs*22) in the TBX20 gene. It is expected to result in an absent or disrupted protein product. Loss-of-function variants in TBX20 are known to be pathogenic (PMID: 15901664, 25625280, 26118961, 27510170). This variant is not present in population databases (gnomAD no frequency). This variant has not been reported in the literature in individuals affected with TBX20-related conditions. For these reasons, this variant has been classified as Pathogenic.

Literature cited by the submitters: PubMed 15901664; PubMed 25625280; PubMed 26118961; PubMed 27510170.

NM_001077653.2(TBX20):c.110del (p.Asn37fs)

Gene: TBX20 (T-box transcription factor 20; minus strand). Cytogenetic location: 7p14.2.
Variant type: Deletion.
Coding change: c.110del on transcript NM_001077653.2 (MANE Select); coding-DNA position 110, one base deleted (A; older notation c.110delA).
Protein change: p.Asn37fs; shifts the reading frame from asparagine 37.
Molecular consequence: frameshift variant.
Genome position (GRCh38, 1-based): chr7:35,253,511, T deleted on the plus strand (A on the coding strand, the reverse complement: TBX20 is on the minus strand); the first of 2 consecutive T bases (chr7:35,253,511-35,253,512); deleting either gives the same sequence. VCF-style (leftmost placement, unchanged base first): chr7-35253510-GT-G. GRCh37 (hg19) VCF-style: chr7-35293121-GT-G.
Other names: c.110del, p.Asn37fs (NM_001166220.1); short protein forms N37fs.
Identifiers: ClinVar variation 3651568 (VCV003651568.2).